The following is an entry in ClinVar:

ClinVar aggregate classification (germline): Uncertain significance. Review status: criteria provided, multiple submitters, no conflicts (2 of 4 stars). 4 submissions from 4 submitters: Uncertain significance (4). Last evaluated 2025-04-22.

Conditions:
Inborn genetic diseases. Identifiers: MedGen C0950123, MeSH D030342.

Allele frequency attached by ClinVar (database versions not stated): gnomAD 0.00015 and 0.00017; ExAC 0.00017; gnomAD exomes 0.00017 and 0.00026; TOPMed 0.00019; 1000 Genomes Project 0.00020; 1000 Genomes Project 30x 0.00031.
gnomAD v4.1: 397 of 1,591,990 alleles (0.025%); highest among the groups gnomAD compares: Non-Finnish European, 0.033%; no homozygotes.

Submissions (4):

Women's Health and Genetics/Laboratory Corporation of America, LabCorp
Classification: Uncertain significance. Last evaluated: 2025-04-22. Review status: criteria provided, single submitter. Criteria: LabCorp Variant Classification Summary - May 2015. Collection method: clinical testing. Allele origin: germline.
Comment: Variant summary: OBSL1 c.5441C>T (p.Pro1814Leu) results in a non-conservative amino acid change in the encoded protein sequence. Three of five in-silico tools predict a damaging effect of the variant on protein function. The variant allele was found at a frequency of 0.00017 in 229122 control chromosomes (gnomAD). This frequency is not significantly higher than estimated for a pathogenic variant in OBSL1 causing Three M Syndrome 2 (0.00017 vs 0.0011), allowing no conclusion about variant significance. To our knowledge, no occurrence of c.5441C>T in individuals affected with Three M Syndrome 2 and no experimental evidence demonstrating its impact on protein function have been reported. ClinVar contains an entry for this variant (Variation ID: 1018573). Based on the evidence outlined above, the variant was classified as uncertain significance.

Blueprint Genetics
Classification: Uncertain significance. Last evaluated: 2024-11-18. Review status: criteria provided, single submitter. Criteria: ACMG Guidelines, 2015. Collection method: clinical testing. Allele origin: germline.

Labcorp Genetics (formerly Invitae), Labcorp
Classification: Uncertain significance. Last evaluated: 2022-06-02. Review status: criteria provided, single submitter. Criteria: Invitae Variant Classification Sherloc (09022015). Collection method: clinical testing. Allele origin: germline.
Comment: This sequence change replaces proline, which is neutral and non-polar, with leucine, which is neutral and non-polar, at codon 1814 of the OBSL1 protein (p.Pro1814Leu). This variant is present in population databases (rs199592039, gnomAD 0.03%). This variant has not been reported in the literature in individuals affected with OBSL1-related conditions. ClinVar contains an entry for this variant (Variation ID: 1018573). Algorithms developed to predict the effect of missense changes on protein structure and function are either unavailable or do not agree on the potential impact of this missense change (SIFT: "Deleterious"; PolyPhen-2: "Probably Damaging"; Align-GVGD: "Class C0"). In summary, the available evidence is currently insufficient to determine the role of this variant in disease. Therefore, it has been classified as a Variant of Uncertain Significance.

Ambry Genetics
Classification: Uncertain significance for Inborn genetic diseases. Last evaluated: 2021-10-06. Review status: criteria provided, single submitter. Criteria: Ambry Variant Classification Scheme 2023. Collection method: clinical testing. Allele origin: germline.

NM_015311.3(OBSL1):c.5441C>T (p.Pro1814Leu)

Gene: OBSL1 (obscurin like cytoskeletal adaptor 1; minus strand). Cytogenetic location: 2q35.
Variant type: single nucleotide variant.
Coding change: c.5441C>T on transcript NM_015311.3 (MANE Select); coding-DNA position 5441, C replaced by T.
Protein change: p.Pro1814Leu; replaces proline 1814 with leucine.
Molecular consequence: missense variant.
Genome position (GRCh38, 1-based): chr2:219,551,771, G>A on the plus strand (C>T on the coding strand, the complement: OBSL1 is on the minus strand). VCF-style: chr2-219551771-G-A. GRCh37 (hg19) VCF-style: chr2-220416493-G-A.
Other names: c.5441C>T (NM_015311.2); short protein forms P1814L.
Identifiers: ClinVar variation 1018573 (VCV001018573.10), dbSNP rs199592039, ClinGen allele CA2130224.
Genomic context (GRCh38, chr2:219,551,771, plus strand): 5'-CGGGACACAGTCACCTCCAGCACCGCCCGGCGGCCCACCAGAACGGTCTTCTCGCGAGGG[G>A]GGTGGCGGCACATCTGGAGAGGCAATGCTGGGGGTAGGGGGCGGGGGCTTAAGTTAATAG-3'
Protein context (NP_056126.1, residues 1804-1824): EALPLQMCRH[Pro1814Leu]PREKTVLVGR